The following is an entry in ClinVar:

NM_003466.4(PAX8):c.404A>G (p.Lys135Arg)

Genes: PAX8 (paired box 8; minus strand), PAX8-AS1 (PAX8 antisense RNA 1; plus strand). Cytogenetic location: 2q14.1.
Variant type: single nucleotide variant.
Coding change: c.404A>G on transcript NM_003466.4 (MANE Select); coding-DNA position 404, A replaced by G.
Protein change: p.Lys135Arg; replaces lysine 135 with arginine.
Molecular consequence: missense variant.
Genome position (GRCh38, 1-based): chr2:113,242,764, T>C on the plus strand (A>G on the coding strand, the complement: PAX8 is on the minus strand). VCF-style: chr2-113242764-T-C. GRCh37 (hg19) VCF-style: chr2-114000341-T-C.
Other names: c.404A>G, p.Lys135Arg (NM_013952.4, NM_013953.4, NM_013992.4); short protein forms K135R.
Identifiers: ClinVar variation 703343 (VCV000703343.32), dbSNP rs190431939, ClinGen allele CA1840254.

ClinVar aggregate classification (germline): Benign/Likely benign. Review status: criteria provided, multiple submitters, no conflicts (2 of 4 stars). 3 submissions from 3 submitters: Benign (2); Likely benign (1). Last evaluated 2023-12-01.

Conditions:
Hypothyroidism, congenital, nongoitrous, 2 (CHNG2). Also called: Hypothyroidism, congenital, due to thyroid dysgenesis or hypoplasia. Identifiers: Orphanet 95712, MedGen C1869118, MONDO:0024264, OMIM 218700.

Allele frequency attached by ClinVar (database versions not stated): 1000 Genomes Project 30x 0.00016; 1000 Genomes Project 0.00020; TOPMed 0.00050; ESP Exome Variant Server 0.00063; gnomAD exomes 0.00100 and 0.00131; gnomAD 0.00134 and 0.00146; ExAC 0.00137.
gnomAD v4.1: 1,637 of 1,613,558 alleles (0.1%); highest among the groups gnomAD compares: Non-Finnish European, 0.095%; 9 homozygotes.

Submissions (3):

CeGaT Center for Human Genetics Tuebingen
Classification: Benign. Last evaluated: 2023-12-01. Review status: criteria provided, single submitter. Criteria: CeGaT Center For Human Genetics Tuebingen Variant Classification Criteria Version 2. Collection method: clinical testing. Allele origin: germline. Affected: yes. Observed: 3 variant alleles.
Comment: PAX8: BS1, BS2

Labcorp Genetics (formerly Invitae), Labcorp
Classification: Benign. Last evaluated: 2019-12-31. Review status: criteria provided, single submitter. Criteria: Invitae Variant Classification Sherloc (09022015). Collection method: clinical testing. Allele origin: germline.

Illumina Laboratory Services, Illumina
Classification: Likely benign for Hypothyroidism, congenital, nongoitrous, 2. Last evaluated: 2017-09-21. Review status: criteria provided, single submitter. Criteria: ICSL Variant Classification Criteria 13 December 2019. Collection method: clinical testing. Allele origin: germline.
Comment: This variant was observed as part of a predisposition screen in an ostensibly healthy population. A literature search was performed for the gene, cDNA change, and amino acid change (where applicable). No publications were found based on this search. Allele frequency data from public databases allowed determination this variant is unlikely to cause disease. Therefore, this variant is classified as likely benign.